The following is an entry in ClinVar:

NM_001845.6(COL4A1):c.4888A>T (p.Ser1630Cys)

Gene: COL4A1 (collagen type IV alpha 1 chain; minus strand). Cytogenetic location: 13q34.
Variant type: single nucleotide variant.
Coding change: c.4888A>T on transcript NM_001845.6 (MANE Select); coding-DNA position 4888, A replaced by T.
Protein change: p.Ser1630Cys; replaces serine 1630 with cysteine.
Molecular consequence: missense variant.
Genome position (GRCh38, 1-based): chr13:110,152,374, T>A on the plus strand (A>T on the coding strand, the complement: COL4A1 is on the minus strand). VCF-style: chr13-110152374-T-A. GRCh37 (hg19) VCF-style: chr13-110804721-T-A.
Other names: short protein forms S1630C.
Identifiers: ClinVar variation 1331282 (VCV001331282.4), dbSNP rs1185307528, ClinGen allele CA388654159.

ClinVar aggregate classification (germline): Uncertain significance (1 of 4 stars; one submission).

Allele frequency attached by ClinVar (database versions not stated): gnomAD exomes below 0.00001; gnomAD 0.00001; TOPMed 0.00002.
gnomAD v4.1: 6 of 1,614,064 alleles (0.00037%); highest among the groups gnomAD compares: Non-Finnish European, 0.00051%; no homozygotes.

Submission:

GeneDx
Classification: Uncertain significance. Last evaluated: 2025-05-30. Review status: criteria provided, single submitter. Criteria: GeneDx Variant Classification Process June 2021. Collection method: clinical testing. Allele origin: germline. Affected: yes.
Comment: Not observed at significant frequency in large population cohorts (gnomAD); In silico analysis supports that this missense variant has a deleterious effect on protein structure/function; Has not been previously published as pathogenic or benign to our knowledge